The following is an entry in ClinVar:

NM_001278064.2(GRM1):c.3378GGA[5] (p.Glu1129_Asp1130insGlu)

Gene: GRM1 (glutamate metabotropic receptor 1; plus strand). Cytogenetic location: 6q24.3.
Variant type: Microsatellite.
Coding change: c.3378GGA[5] on transcript NM_001278064.2 (MANE Select); five copies in a row of the 3-base unit GGA starting at c.3378; the reference has four copies in a row; one copy, 3 bases duplicated.
Protein change: p.Glu1129_Asp1130insGlu.
Molecular consequence: inframe insertion. On other transcripts: 3 prime UTR variant (3).
Genome position (GRCh38, 1-based): chr6:146,434,598-146,434,600, GGA duplicated; duplicating any 3 consecutive bases within chr6:146,434,587-146,434,600 gives the same sequence; the position shown is the placement nearest the transcript's 3' end. VCF-style (leftmost placement, unchanged base first): chr6-146434586-A-AGAG. GRCh37 (hg19) VCF-style: chr6-146755722-A-AGAG.
Other names: c.*742GGA[5] (NM_001278065.2); c.*707GGA[5] (NM_001278066.1); c.*616GGA[5] (NM_001278067.1).
Identifiers: ClinVar variation 1940531 (VCV001940531.5), dbSNP rs753934392, ClinGen allele CA4037688.

ClinVar aggregate classification (germline): Uncertain significance (1 of 4 stars; one submission).

Submission:

Labcorp Genetics (formerly Invitae), Labcorp
Classification: Uncertain significance. Last evaluated: 2023-08-10. Review status: criteria provided, single submitter. Criteria: Invitae Variant Classification Sherloc (09022015). Collection method: clinical testing. Allele origin: germline.
Comment: In summary, the available evidence is currently insufficient to determine the role of this variant in disease. Therefore, it has been classified as a Variant of Uncertain Significance. This variant has not been reported in the literature in individuals affected with GRM1-related conditions. This variant is present in population databases (rs766470826, gnomAD 0.002%). This variant, c.3387_3389dup, results in the insertion of 1 amino acid(s) of the GRM1 protein (p.Glu1129dup), but otherwise preserves the integrity of the reading frame.